The following is an entry in ClinVar:

ClinVar aggregate classification (germline): Uncertain significance (1 of 4 stars; one submission).

Conditions:
Catecholaminergic polymorphic ventricular tachycardia 1. Also called: VENTRICULAR TACHYCARDIA, CATECHOLAMINERGIC POLYMORPHIC, 1, WITH OR WITHOUT ATRIAL DYSFUNCTION AND/OR DILATED CARDIOMYOPATHY; RYR2-Related Catecholaminergic Polymorphic Ventricular Tachycardia; VENTRICULAR TACHYCARDIA, STRESS-INDUCED POLYMORPHIC 1. Identifiers: Orphanet 3286, MedGen C1631597, MONDO:0011484, OMIM 604772.

Submission:

Labcorp Genetics (formerly Invitae), Labcorp
Classification: Uncertain significance for Catecholaminergic polymorphic ventricular tachycardia 1. Last evaluated: 2024-07-08. Review status: criteria provided, single submitter. Criteria: Invitae Variant Classification Sherloc (09022015). Collection method: clinical testing. Allele origin: germline.
Comment: This sequence change replaces glycine, which is neutral and non-polar, with arginine, which is basic and polar, at codon 4389 of the RYR2 protein (p.Gly4389Arg). This variant is not present in population databases (gnomAD no frequency). This variant has not been reported in the literature in individuals affected with RYR2-related conditions. Advanced modeling of protein sequence and biophysical properties (such as structural, functional, and spatial information, amino acid conservation, physicochemical variation, residue mobility, and thermodynamic stability) performed at Invitae indicates that this missense variant is expected to disrupt RYR2 protein function with a positive predictive value of 95%. In summary, the available evidence is currently insufficient to determine the role of this variant in disease. Therefore, it has been classified as a Variant of Uncertain Significance.

NM_001035.3(RYR2):c.13165G>A (p.Gly4389Arg)

Genes: RYR2 (ryanodine receptor 2; plus strand), LOC126806068 (BRD4-independent group 4 enhancer GRCh37_chr1:237947411-237948610; plus strand). Cytogenetic location: 1q43.
Variant type: single nucleotide variant.
Coding change: c.13165G>A on transcript NM_001035.3 (MANE Select); coding-DNA position 13165, G replaced by A.
Protein change: p.Gly4389Arg; replaces glycine 4389 with arginine.
Molecular consequence: missense variant.
Genome position (GRCh38, 1-based): chr1:237,784,877, G>A. VCF-style: chr1-237784877-G-A. GRCh37 (hg19) VCF-style: chr1-237948177-G-A.
Other names: short protein forms G4389R.
Identifiers: ClinVar variation 3633841 (VCV003633841.2).